The following is an entry in ClinVar:

ClinVar aggregate classification (germline): Likely benign (1 of 4 stars; one submission).

Submission:

CeGaT Center for Human Genetics Tuebingen
Classification: Likely benign. Last evaluated: 2022-10-01. Review status: criteria provided, single submitter. Criteria: CeGaT Center For Human Genetics Tuebingen Variant Classification Criteria Version 2. Collection method: clinical testing. Allele origin: germline. Affected: yes. Observed: 1 variant allele.
Comment: STRC: PM2:Supporting, BP4, BP7

NM_153700.2(STRC):c.2526G>A (p.Gln842=)

Gene: STRC (stereocilin; minus strand). Cytogenetic location: 15q15.3.
Variant type: single nucleotide variant.
Coding change: c.2526G>A on transcript NM_153700.2 (MANE Select); coding-DNA position 2526, G replaced by A.
Protein change: p.Gln842=; no amino-acid change (glutamine 842 retained).
Molecular consequence: synonymous variant.
Genome position (GRCh38, 1-based): chr15:43,613,186, C>T on the plus strand (G>A on the coding strand, the complement: STRC is on the minus strand). VCF-style: chr15-43613186-C-T. GRCh37 (hg19) VCF-style: chr15-43905384-C-T.
Identifiers: ClinVar variation 2645274 (VCV002645274.24), dbSNP rs2507594099, ClinGen allele CA490155868.